The following is an entry in ClinVar:

NM_000548.5(TSC2):c.3223A>G (p.Thr1075Ala)

Gene: TSC2 (TSC complex subunit 2; plus strand). Cytogenetic location: 16p13.3.
Variant type: single nucleotide variant.
Coding change: c.3223A>G on transcript NM_000548.5 (MANE Select); coding-DNA position 3223, A replaced by G.
Protein change: p.Thr1075Ala; replaces threonine 1075 with alanine.
Molecular consequence: missense variant.
Genome position (GRCh38, 1-based): chr16:2,079,367, A>G. VCF-style: chr16-2079367-A-G. GRCh37 (hg19) VCF-style: chr16-2129368-A-G.
Other names: c.3091A>G, p.Thr1031Ala (NM_001077183.3, NM_001370404.1); c.3223A>G, p.Thr1075Ala (NM_001114382.3); c.2983A>G, p.Thr995Ala (NM_001318827.2); c.2947A>G, p.Thr983Ala (NM_001318829.2); c.2491A>G, p.Thr831Ala (NM_001318831.2); c.3124A>G, p.Thr1042Ala (NM_001318832.2); c.3094A>G, p.Thr1032Ala (NM_001363528.2, NM_001370405.1, NM_021055.3); short protein forms T1031A, T983A, T995A, T1042A, T1075A, T1032A, T831A.
Identifiers: ClinVar variation 665443 (VCV000665443.14), dbSNP rs768568810, ClinGen allele CA044809.

ClinVar aggregate classification (germline): Conflicting classifications of pathogenicity. Review status: criteria provided, conflicting classifications (1 of 4 stars). 2 submissions from 2 submitters: Uncertain significance (1); Benign (1). Last evaluated 2025-09-19.

Conditions:
Hereditary cancer-predisposing syndrome. Also called: Neoplastic Syndromes, Hereditary; Hereditary neoplastic syndrome; Tumor predisposition; Hereditary Cancer Syndrome. Identifiers: Orphanet 140162, MedGen C0027672, MeSH D009386, MONDO:0015356.
Tuberous sclerosis 2 (TSC2). Identifiers: Orphanet 805, MedGen C1860707, MONDO:0013199, OMIM 613254.

Allele frequency attached by ClinVar (database versions not stated): gnomAD exomes below 0.00001; ExAC 0.00001.
gnomAD v4.1: 2 of 1,612,758 alleles (0.00012%); highest among the groups gnomAD compares: Non-Finnish European, 0.00017%; no homozygotes.

Submissions (2):

Ambry Genetics
Classification: Uncertain significance for Hereditary cancer-predisposing syndrome. Last evaluated: 2025-09-19. Review status: criteria provided, single submitter. Criteria: Ambry Variant Classification Scheme 2023. Collection method: clinical testing. Allele origin: germline.
Comment: The p.T1075A variant (also known as c.3223A>G), located in coding exon 27 of the TSC2 gene, results from an A to G substitution at nucleotide position 3223. The threonine at codon 1075 is replaced by alanine, an amino acid with similar properties. This amino acid position is conserved. In addition, the in silico prediction for this alteration is inconclusive. Since supporting evidence is limited at this time, the clinical significance of this alteration remains unclear.

Labcorp Genetics (formerly Invitae), Labcorp
Classification: Benign for Tuberous sclerosis 2. Last evaluated: 2023-07-07. Review status: criteria provided, single submitter. Criteria: Invitae Variant Classification Sherloc (09022015). Collection method: clinical testing. Allele origin: germline.